The following is an entry in ClinVar:

ClinVar aggregate classification (germline): Likely benign (1 of 4 stars; one submission).

Allele frequency attached by ClinVar (database versions not stated): TOPMed 0.00007; ExAC 0.00013; ESP Exome Variant Server 0.00015; 1000 Genomes Project 30x 0.00016; 1000 Genomes Project 0.00020.
gnomAD v4.1: 56 of 1,613,998 alleles (0.0035%); highest among the groups gnomAD compares: African/African-American, 0.021%; no homozygotes.

Submission:

CeGaT Center for Human Genetics Tuebingen
Classification: Likely benign. Last evaluated: 2023-06-01. Review status: criteria provided, single submitter. Criteria: CeGaT Center For Human Genetics Tuebingen Variant Classification Criteria Version 2. Collection method: clinical testing. Allele origin: germline. Affected: yes. Observed: 1 variant allele.
Comment: HECW2: BP4, BP7

NM_001348768.2(HECW2):c.2964G>A (p.Pro988=)

Gene: HECW2 (HECT, C2 and WW domain containing E3 ubiquitin protein ligase 2; minus strand). Cytogenetic location: 2q32.3.
Variant type: single nucleotide variant.
Coding change: c.2964G>A on transcript NM_001348768.2 (MANE Select); coding-DNA position 2964, G replaced by A.
Protein change: p.Pro988=; no amino-acid change (proline 988 retained).
Molecular consequence: synonymous variant.
Genome position (GRCh38, 1-based): chr2:196,292,601, C>T on the plus strand (G>A on the coding strand, the complement: HECW2 is on the minus strand). VCF-style: chr2-196292601-C-T. GRCh37 (hg19) VCF-style: chr2-197157325-C-T.
Other names: c.1896G>A, p.Pro632= (NM_001304840.3); c.2964G>A, p.Pro988= (NM_020760.4).
Identifiers: ClinVar variation 2651783 (VCV002651783.24), dbSNP rs369515496, ClinGen allele CA2037914.